The following is an entry in ClinVar:

NM_024422.6(DSC2):c.2451C>G (p.Asp817Glu)

Gene: DSC2 (desmocollin 2; minus strand). Cytogenetic location: 18q12.1.
Variant type: single nucleotide variant.
Coding change: c.2451C>G on transcript NM_024422.6 (MANE Select); coding-DNA position 2451, C replaced by G.
Protein change: p.Asp817Glu; replaces aspartic acid 817 with glutamic acid.
Molecular consequence: missense variant.
Genome position (GRCh38, 1-based): chr18:31,068,951, G>C on the plus strand (C>G on the coding strand, the complement: DSC2 is on the minus strand). VCF-style: chr18-31068951-G-C. GRCh37 (hg19) VCF-style: chr18-28648917-G-C.
Other names: c.2022C>G, p.Asp674Glu (NM_001406506.1, NM_001406507.1); c.2451C>G, p.Asp817Glu (NM_004949.5); short protein forms D674E, D817E.
Identifiers: ClinVar variation 4758465 (VCV004758465.1).

ClinVar aggregate classification (germline): Uncertain significance (1 of 4 stars; one submission).

Conditions:
Cardiomyopathy (CMYO). Also called: Cardiomyopathies. Identifiers: Orphanet 167848, MedGen C0878544, MONDO:0004994, HP:0001638. Inheritance: Various modes of inheritance.

gnomAD v4.1: 1 of 1,614,068 alleles (0.000062%); highest among the groups gnomAD compares: Admixed American, 0.0017%; no homozygotes.

Submission:

Color Diagnostics, LLC DBA Color Health
Classification: Uncertain significance for Cardiomyopathy. Last evaluated: 2025-07-07. Review status: criteria provided, single submitter. Criteria: ACMG Guidelines, 2015. Collection method: clinical testing. Allele origin: germline.
Comment: This missense variant replaces aspartic acid with glutamic acid at codon 817 of the DSC2 protein. Computational prediction suggests that this variant may not impact protein structure and function. To our knowledge, functional studies have not been reported for this variant. This variant has not been reported in individuals affected with DSC2-related disorders in the literature. This variant has been identified in 1/251206 chromosomes in the general population by the Genome Aggregation Database (gnomAD). The available evidence is insufficient to determine the role of this variant in disease conclusively. Therefore, this variant is classified as a Variant of Uncertain Significance.